The following is an entry in ClinVar:

ClinVar aggregate classification (germline): Uncertain significance (1 of 4 stars; one submission).

Submission:

Labcorp Genetics (formerly Invitae), Labcorp
Classification: Uncertain significance. Last evaluated: 2024-09-04. Review status: criteria provided, single submitter. Criteria: Invitae Variant Classification Sherloc (09022015). Collection method: clinical testing. Allele origin: germline.
Comment: This sequence change replaces alanine, which is neutral and non-polar, with glycine, which is neutral and non-polar, at codon 2264 of the HMCN1 protein (p.Ala2264Gly). This variant is not present in population databases (gnomAD no frequency). This variant has not been reported in the literature in individuals affected with HMCN1-related conditions. An algorithm developed to predict the effect of missense changes on protein structure and function (PolyPhen-2) suggests that this variant is likely to be disruptive. In summary, the available evidence is currently insufficient to determine the role of this variant in disease. Therefore, it has been classified as a Variant of Uncertain Significance.

NM_031935.3(HMCN1):c.6791C>G (p.Ala2264Gly)

Gene: HMCN1 (hemicentin 1; plus strand). Cytogenetic location: 1q31.1.
Variant type: single nucleotide variant.
Coding change: c.6791C>G on transcript NM_031935.3 (MANE Select); coding-DNA position 6791, C replaced by G.
Protein change: p.Ala2264Gly; replaces alanine 2264 with glycine.
Molecular consequence: missense variant.
Genome position (GRCh38, 1-based): chr1:186,053,915, C>G. VCF-style: chr1-186053915-C-G. GRCh37 (hg19) VCF-style: chr1-186023047-C-G.
Other names: short protein forms A2264G.
Identifiers: ClinVar variation 3677010 (VCV003677010.2).